The following is an entry in ClinVar:

ClinVar aggregate classification (germline): Benign/Likely benign. Review status: criteria provided, multiple submitters, no conflicts (2 of 4 stars). 5 submissions from 5 submitters: Benign (1); Likely benign (4). Last evaluated 2024-08-01.

Conditions:
Juvenile polyposis syndrome (JPS). Identifiers: Orphanet 2929, MedGen C0345893, MONDO:0017380, OMIM 174900.
Hereditary cancer-predisposing syndrome. Also called: Neoplastic Syndromes, Hereditary; Hereditary neoplastic syndrome; Tumor predisposition; Hereditary Cancer Syndrome. Identifiers: Orphanet 140162, MedGen C0027672, MeSH D009386, MONDO:0015356.

Allele frequency attached by ClinVar (database versions not stated): gnomAD exomes below 0.00001; ExAC 0.00001.
gnomAD v4.1: 2 of 1,613,888 alleles (0.00012%); highest among the groups gnomAD compares: Middle Eastern, 0.017%; no homozygotes.

Submissions (5):

Labcorp Genetics (formerly Invitae), Labcorp
Classification: Likely benign for Juvenile polyposis syndrome. Last evaluated: 2024-08-01. Review status: criteria provided, single submitter. Criteria: Invitae Variant Classification Sherloc (09022015). Collection method: clinical testing. Allele origin: germline.

Myriad Genetics, Inc.
Classification: Benign for Juvenile polyposis syndrome. Last evaluated: 2024-07-31. Review status: criteria provided, single submitter. Criteria: Myriad Autosomal Dominant, Autosomal Recessive and X-Linked Classification Criteria (2023). Collection method: clinical testing. Allele origin: unknown.
Comment: This variant is considered benign. This variant is a silent/synonymous amino acid change and it is not expected to impact splicing.

Ambry Genetics
Classification: Likely benign for Hereditary cancer-predisposing syndrome. Last evaluated: 2019-12-19. Review status: criteria provided, single submitter. Criteria: Ambry Variant Classification Scheme 2023. Collection method: clinical testing. Allele origin: germline.

Color Diagnostics, LLC DBA Color Health
Classification: Likely benign for Hereditary cancer-predisposing syndrome. Last evaluated: 2019-04-09. Review status: criteria provided, single submitter. Criteria: ACMG Guidelines, 2015. Collection method: clinical testing. Allele origin: germline.

GeneDx
Classification: Likely benign. Last evaluated: 2016-06-30. Review status: criteria provided, single submitter. Criteria: GeneDx Variant Classification (06012015). Collection method: clinical testing. Allele origin: germline. Affected: yes.
Comment: This variant is considered likely benign or benign based on one or more of the following criteria: it is a conservative change, it occurs at a poorly conserved position in the protein, it is predicted to be benign by multiple in silico algorithms, and/or has population frequency not consistent with disease.

NM_004329.3(BMPR1A):c.300T>C (p.Cys100=)

Gene: BMPR1A (bone morphogenetic protein receptor type 1A; plus strand). Cytogenetic location: 10q23.2.
Variant type: single nucleotide variant.
Coding change: c.300T>C on transcript NM_004329.3 (MANE Select); coding-DNA position 300, T replaced by C.
Protein change: p.Cys100=; no amino-acid change (cysteine 100 retained).
Molecular consequence: synonymous variant.
Genome position (GRCh38, 1-based): chr10:86,892,196, T>C. VCF-style: chr10-86892196-T-C. GRCh37 (hg19) VCF-style: chr10-88651953-T-C.
Identifiers: ClinVar variation 387438 (VCV000387438.19), dbSNP rs754180012, ClinGen allele CA5585469.